The following is an entry in ClinVar:

ClinVar aggregate classification (germline): Uncertain significance (1 of 4 stars; one submission).

Submission:

Labcorp Genetics (formerly Invitae), Labcorp
Classification: Uncertain significance. Last evaluated: 2024-02-22. Review status: criteria provided, single submitter. Criteria: Invitae Variant Classification Sherloc (09022015). Collection method: clinical testing. Allele origin: germline.
Comment: This sequence change replaces valine, which is neutral and non-polar, with leucine, which is neutral and non-polar, at codon 173 of the RAI1 protein (p.Val173Leu). This variant is not present in population databases (gnomAD no frequency). This variant has not been reported in the literature in individuals affected with RAI1-related conditions. Advanced modeling of protein sequence and biophysical properties (such as structural, functional, and spatial information, amino acid conservation, physicochemical variation, residue mobility, and thermodynamic stability) performed at Invitae indicates that this missense variant is not expected to disrupt RAI1 protein function with a negative predictive value of 80%. In summary, the available evidence is currently insufficient to determine the role of this variant in disease. Therefore, it has been classified as a Variant of Uncertain Significance.

NM_030665.4(RAI1):c.517G>C (p.Val173Leu)

Gene: RAI1 (retinoic acid induced 1; plus strand). Cytogenetic location: 17p11.2.
Variant type: single nucleotide variant.
Coding change: c.517G>C on transcript NM_030665.4 (MANE Select); coding-DNA position 517, G replaced by C.
Protein change: p.Val173Leu; replaces valine 173 with leucine.
Molecular consequence: missense variant.
Genome position (GRCh38, 1-based): chr17:17,793,465, G>C. VCF-style: chr17-17793465-G-C. GRCh37 (hg19) VCF-style: chr17-17696779-G-C.
Other names: short protein forms V173L.
Identifiers: ClinVar variation 3642419 (VCV003642419.2).